The following is an entry in ClinVar:

ClinVar aggregate classification (germline): Conflicting classifications of pathogenicity. Review status: criteria provided, conflicting classifications (1 of 4 stars). 9 submissions from 8 submitters: Uncertain significance (2); Benign (2); Likely benign (3). 2 of the submissions do not count toward it. Last evaluated 2025-03-04.

Conditions:
Fumarase deficiency (FMRD). Also called: Fumarate Hydratase Deficiency; Fumaric aciduria. Identifiers: Orphanet 24, MedGen C0342770, MONDO:0011730, OMIM 606812.
Hereditary leiomyomatosis and renal cell cancer. Also called: Reed syndrome; Multiple cutaneous and uterine leiomyomatosis; Cutaneous leiomyomata with uterine leiomyomata; Leiomyoma, hereditary multiple, of skin; Multiple cutaneous and uterine leiomyomata; MULTIPLE CUTANEOUS AND UTERINE LEIOMYOMATA 1, WITH OR WITHOUT RENAL CELL CARCINOMA. Identifiers: Orphanet 523, MedGen C1708350, MONDO:0007888, OMIM 150800, HP:0007437. Disease mechanism: loss of function.

Allele frequency attached by ClinVar (database versions not stated): ExAC 0.00064; gnomAD exomes 0.00094; ESP Exome Variant Server 0.00097; TOPMed 0.00104; gnomAD 0.00108 and 0.00113.
gnomAD v4.1: 2,503 of 1,525,840 alleles (0.16%); highest among the groups gnomAD compares: Non-Finnish European, 0.21%; 2 homozygotes.

Submissions (9):

Center for Genomic Medicine, Rigshospitalet, Copenhagen University Hospital
Classification: Likely benign. Last evaluated: 2025-03-04. Review status: criteria provided, single submitter. Criteria: ACMG Guidelines, 2015. Collection method: clinical testing. Allele origin: germline.

Blueprint Genetics
Classification: Likely benign. Last evaluated: 2024-11-19. Review status: criteria provided, single submitter. Criteria: ACMG Guidelines, 2015. Collection method: clinical testing. Allele origin: germline.

Myriad Genetics, Inc.
Classification: Likely benign for Hereditary leiomyomatosis and renal cell cancer. Last evaluated: 2024-10-17. Review status: criteria provided, single submitter. Criteria: Myriad Autosomal Dominant, Autosomal Recessive and X-Linked Classification Criteria (2023). Collection method: clinical testing. Allele origin: unknown.
Comment: This variant is considered likely benign. This variant has been observed at a population frequency that is significantly greater than expected given the associated disease prevalence and penetrance.

Genetic Services Laboratory, University of Chicago
Classification: Uncertain significance. Last evaluated: 2019-10-18. Review status: criteria provided, single submitter. Criteria: ACMG Guidelines, 2015. Collection method: clinical testing. Allele origin: germline. Affected: no.

Illumina Laboratory Services, Illumina
Classification: Uncertain significance for Fumarase deficiency. Last evaluated: 2018-01-13. Review status: criteria provided, single submitter. Criteria: ICSL Variant Classification Criteria 13 December 2019. Collection method: clinical testing. Allele origin: germline.

Illumina Laboratory Services, Illumina
Classification: Benign for Hereditary leiomyomatosis and renal cell cancer. Last evaluated: 2018-01-13. Review status: criteria provided, single submitter. Criteria: ICSL Variant Classification Criteria 13 December 2019. Collection method: clinical testing. Allele origin: germline.
Comment: This variant was observed in the ICSL laboratory as part of a predisposition screen in an ostensibly healthy population. It had not been previously curated by ICSL or reported in the Human Gene Mutation Database (HGMD: prior to June 1st, 2018), and was therefore a candidate for classification through an automated scoring system. Utilizing variant allele frequency, disease prevalence and penetrance estimates, and inheritance mode, an automated score was calculated to assess if this variant is too frequent to cause the disease. Based on the score and internal cut-off values, a variant classified as benign is not then subjected to further curation. The score for this variant resulted in a classification of benign for this disease.

GeneDx
Classification: Benign. Last evaluated: 2014-07-17. Review status: criteria provided, single submitter. Criteria: GeneDx Variant Classification (06012015). Collection method: clinical testing. Allele origin: germline. Affected: yes.
Comment: This variant is considered likely benign or benign based on one or more of the following criteria: it is a conservative change, it occurs at a poorly conserved position in the protein, it is predicted to be benign by multiple in silico algorithms, and/or has population frequency not consistent with disease.

Diagnostic Laboratory, Department of Genetics, University Medical Center Groningen
Classification: Likely benign. Review status: no assertion criteria provided. Collection method: clinical testing. Allele origin: germline. Affected: yes. Study: VKGL Data-share Consensus. Not counted in ClinVar's aggregate classification.

Joint Genome Diagnostic Labs from Nijmegen and Maastricht, Radboudumc and MUMC+
Classification: Likely benign. Review status: no assertion criteria provided. Collection method: clinical testing. Allele origin: germline. Affected: yes. Study: VKGL Data-share Consensus. Not counted in ClinVar's aggregate classification.

NM_000143.4(FH):c.-11C>T

Gene: FH (fumarate hydratase; minus strand). Cytogenetic location: 1q43.
Variant type: single nucleotide variant.
Coding change: c.-11C>T on transcript NM_000143.4 (MANE Select); 11 bases upstream of the start codon, C replaced by T.
Molecular consequence: 5 prime UTR variant.
Genome position (GRCh38, 1-based): chr1:241,519,733, G>A on the plus strand (C>T on the coding strand, the complement: FH is on the minus strand). VCF-style: chr1-241519733-G-A. GRCh37 (hg19) VCF-style: chr1-241683033-G-A.
Identifiers: ClinVar variation 214371 (VCV000214371.25), dbSNP rs200942733, ClinGen allele CA324080.
Genomic context (GRCh38, chr1:241,519,733, plus strand): 5'-GCCCGCACGAGGGGACGCGAGCGCGCGAGGAGCCGAAGTGCTCGGTACATGGTGCTGAGG[G>A]AGCTTGGGTAGAATTTCTGGGCGGCTGTGGCCACGCCTCCACGCCGGTTGTCAGAAACCG-3'